The following is an entry in ClinVar:

NM_001039213.4(CEACAM16):c.591C>T (p.Gly197=)

Genes: CEACAM16-AS1 (CEACAM16, CEACAM19 and PVR antisense RNA 1; minus strand), CEACAM16 (CEA cell adhesion molecule 16, tectorial membrane component; plus strand). Cytogenetic location: 19q13.32.
Variant type: single nucleotide variant.
Coding change: c.591C>T on transcript NM_001039213.4 (MANE Select); coding-DNA position 591, C replaced by T.
Protein change: p.Gly197=; no amino-acid change (glycine 197 retained).
Molecular consequence: synonymous variant.
Genome position (GRCh38, 1-based): chr19:44,704,226, C>T. VCF-style: chr19-44704226-C-T. GRCh37 (hg19) VCF-style: chr19-45207496-C-T.
Other names: c.591C>T (NM_001039213.3).
Identifiers: ClinVar variation 1471149 (VCV001471149.20), dbSNP rs372088113, ClinGen allele CA9503104.

ClinVar aggregate classification (germline): Likely benign. Review status: criteria provided, multiple submitters, no conflicts (2 of 4 stars). 3 submissions from 3 submitters: Likely benign (2). 1 of the submissions does not count toward it. Last evaluated 2025-08-15.

Conditions:
CEACAM16-related disorder. Also called: CEACAM16-related condition.

Allele frequency attached by ClinVar (database versions not stated): gnomAD exomes 0.00005 and 0.00012; ExAC 0.00011; gnomAD 0.00019; TOPMed 0.00021; ESP Exome Variant Server 0.00026.

Submissions (3):

Labcorp Genetics (formerly Invitae), Labcorp
Classification: Likely benign. Last evaluated: 2025-08-15. Review status: criteria provided, single submitter. Criteria: Invitae Variant Classification Sherloc (09022015). Collection method: clinical testing. Allele origin: germline.

CeGaT Center for Human Genetics Tuebingen
Classification: Likely benign. Last evaluated: 2025-05-01. Review status: criteria provided, single submitter. Criteria: CeGaT Center For Human Genetics Tuebingen Variant Classification Criteria Version 2. Collection method: clinical testing. Allele origin: germline. Affected: yes. Observed: 1 variant allele.
Comment: CEACAM16: BP4, BP7

PreventionGenetics, part of Exact Sciences
Classification: Likely benign for CEACAM16-related condition. Last evaluated: 2019-06-13. Review status: no assertion criteria provided. Collection method: clinical testing. Allele origin: germline. Not counted in ClinVar's aggregate classification.
Comment: This variant is classified as likely benign based on ACMG/AMP sequence variant interpretation guidelines (Richards et al. 2015 PMID: 25741868, with internal and published modifications).